The following is an entry in ClinVar:

NM_024876.4(COQ8B):c.1199dup (p.His400fs)

Gene: COQ8B (coenzyme Q8B; minus strand). Cytogenetic location: 19q13.2.
Variant type: Duplication.
Coding change: c.1199dup on transcript NM_024876.4 (MANE Select); coding-DNA position 1199, one base duplicated (A; older notation c.1199dupA).
Protein change: p.His400fs; shifts the reading frame from histidine 400.
Molecular consequence: frameshift variant.
Genome position (GRCh38, 1-based): chr19:40,695,999, T duplicated on the plus strand (A on the coding strand, the reverse complement: COQ8B is on the minus strand). VCF-style (leftmost placement, unchanged base first): chr19-40695998-A-AT. GRCh37 (hg19) VCF-style: chr19-41201903-A-AT.
Other names: COQ8B, 1-BP INS, 1199A; c.1076dup, p.His359fs (NM_001142555.3); short protein forms H359fs, H400fs.
Identifiers: ClinVar variation 91850 (VCV000091850.26), dbSNP rs398122982, ClinGen allele CA145477.

ClinVar aggregate classification (germline): Likely pathogenic. Review status: criteria provided, single submitter (1 of 4 stars). 3 submissions from 3 submitters: Likely pathogenic (1). 2 of the submissions do not count toward it. Last evaluated 2023-10-01.

Conditions:
Nephrotic syndrome, type 9 (NPHS9). Identifiers: Orphanet 656, MedGen C3809965, MONDO:0014257, OMIM 615573.

Allele frequency attached by ClinVar (database versions not stated): gnomAD exomes below 0.00001.

Submissions (3):

CeGaT Center for Human Genetics Tuebingen
Classification: Likely pathogenic. Last evaluated: 2023-10-01. Review status: criteria provided, single submitter. Criteria: CeGaT Center For Human Genetics Tuebingen Variant Classification Criteria Version 2. Collection method: clinical testing. Allele origin: germline. Affected: yes. Observed: 1 variant allele.
Comment: COQ8B: PVS1:Strong, PM2, PM3

OMIM
Classification: Pathogenic for NEPHROTIC SYNDROME, TYPE 9. Last evaluated: 2013-12-02. Review status: no assertion criteria provided. Collection method: literature only. Allele origin: germline. Not counted in ClinVar's aggregate classification.

GeneReviews
No classification provided. Condition: Nephrotic syndrome, type 9. Review status: no classification provided. Collection method: literature only. Allele origin: germline. Not counted in ClinVar's aggregate classification.

Literature cited by the submitters: PubMed 24270420 (cited by OMIM and GeneReviews); NCBI Bookshelf NBK410087 (cited by GeneReviews).